The following is an entry in ClinVar:

NM_000533.5(PLP1):c.350_377dup (p.Arg127fs)

Genes: PLP1 (proteolipid protein 1; plus strand), RAB9B (RAB9B, member RAS oncogene family; minus strand). Cytogenetic location: Xq22.2.
Variant type: Duplication.
Coding change: c.350_377dup on transcript NM_000533.5 (MANE Select); coding-DNA positions 350 to 377, 28 bases duplicated (TAACAGGGGGCCAGAAGGGGAGGGGTTC).
Protein change: p.Arg127fs; shifts the reading frame from arginine 127.
Molecular consequence: frameshift variant. On other transcripts: splice donor variant (1).
Genome position (GRCh38, 1-based): chrX:103,786,623-103,786,650, TAACAGGGGGCCAGAAGGGGAGGGGTTC duplicated. VCF-style (leftmost placement, unchanged base first): chrX-103786622-G-GTAACAGGGGGCCAGAAGGGGAGGGGTTC. GRCh37 (hg19) VCF-style: chrX-103041551-G-GTAACAGGGGGCCAGAAGGGGAGGGGTTC.
Other names: c.350_377dup, p.Arg127fs (NM_001128834.3); c.185_212dup, p.Arg72fs (NM_001305004.1); c.348+2_348+29dup (NM_199478.3); short protein forms R127fs, R72fs.
Identifiers: ClinVar variation 4796629 (VCV004796629.1).
Genomic context (GRCh38, chrX:103,786,622, plus strand): 5'-GTCAGGCAGATCTTTGGCGACTACAAGACCACCATCTGCGGCAAGGGCCTGAGCGCAACG[G>GTAACAGGGGGCCAGAAGGGGAGGGGTTC]TAACAGGGGGCCAGAAGGGGAGGGGTTCCAGAGGCCAACATCAAGCTCATTCTTTGGAGC-3'

ClinVar aggregate classification (germline): Likely pathogenic (1 of 4 stars; one submission).

Conditions:
Pelizaeus-Merzbacher disease. Also called: Pelizeaus-Merzbacher spectrum disorder; LEUKODYSTROPHY, HYPOMYELINATING, 1; Sudanophilic leukodystrophy; Pelizaeus-Merzbacher spectrum disorder; Pelizaeus-Merzbacher Disease (PMD). Identifiers: Orphanet 702, MedGen C0205711, MONDO:0010714, OMIM 312080, HP:0003269.
Hereditary spastic paraplegia 2 (SPG2). Also called: Spastic Paraplegia 2 (SPG2); SPASTIC PARAPLEGIA 2, X-LINKED. Identifiers: Orphanet 99015, MedGen C0751604, MONDO:0010733, OMIM 312920.

Submission:

Juno Genomics, Hangzhou Juno Genomics, Inc
Classification: Likely pathogenic for Hereditary spastic paraplegia 2; Pelizaeus-Merzbacher disease. Review status: criteria provided, single submitter. Criteria: ACMG Guidelines, 2015. Collection method: clinical testing. Allele origin: germline. Affected: yes.
Comment: Absent from controls (or at extremely low frequency if recessive) in Genome Aggregation Database, Exome Sequencing Project, 1000 Genomes Project, or Exome Aggregation Consortium.;Null variant in a gene where loss of function (LOF) is a known mechanism of disease.